The following is an entry in ClinVar:

ClinVar aggregate classification (germline): Likely pathogenic (1 of 4 stars; one submission).

Conditions:
Primary ciliary dyskinesia 5. Also called: CILIARY DYSKINESIA, PRIMARY, 5, WITHOUT SITUS INVERSUS. Identifiers: Orphanet 244, MedGen C1837615, MONDO:0012088, OMIM 608647.

Submission:

Royal Brompton Clinical Genetics And Genomics Laboratory, NHS South East Genomic Laboratory Hub
Classification: Likely pathogenic for Primary ciliary dyskinesia 5. Last evaluated: 2024-03-06. Review status: criteria provided, single submitter. Criteria: RBHT-CGGL ClinVar Assertion Criteria. Collection method: clinical testing. Allele origin: germline. Affected: yes. Observed: 1 variant allele.
Comment: 2 siblings Compound heterozygous with pathogenic NM_001270974.2:c.3252dup

NM_001270974.2(HYDIN):c.1670G>C (p.Arg557Thr)

Gene: HYDIN (HYDIN axonemal central pair apparatus protein; minus strand). Cytogenetic location: 16q22.2.
Variant type: single nucleotide variant.
Coding change: c.1670G>C on transcript NM_001270974.2 (MANE Select); coding-DNA position 1670, G replaced by C.
Protein change: p.Arg557Thr; replaces arginine 557 with threonine.
Molecular consequence: missense variant.
Genome position (GRCh38, 1-based): chr16:71,088,301, C>G on the plus strand (G>C on the coding strand, the complement: HYDIN is on the minus strand). VCF-style: chr16-71088301-C-G. GRCh37 (hg19) VCF-style: chr16-71122204-C-G.
Other names: c.1751G>C, p.Arg584Thr (NM_001198542.1); c.1721G>C, p.Arg574Thr (NM_001198543.1); c.1670G>C, p.Arg557Thr (NM_017558.5); short protein forms R557T, R574T, R584T.
Identifiers: ClinVar variation 3027472 (VCV003027472.1), dbSNP rs2507402547, ClinGen allele CA396621873.
Genomic context (GRCh38, chr16:71,088,301, plus strand): 5'-TAAAAAGGCAATAGGTTAAAACTTCTGTTAGTTTCTACATTCATTATAAATGTACCTTAC[C>G]TAATGGTCAGTTTCACAGGCTCAGGTGACCCATTGACATTGACCAGGAACTCTTCTTCAA-3'
Protein context (NP_001257903.1, residues 547-567): GSPEPVKLTI[Arg557Thr]GCVIGPTFHF